The following is an entry in ClinVar:

NM_000492.4(CFTR):c.4054C>T (p.Gln1352Ter)

Gene: CFTR (CF transmembrane conductance regulator; plus strand). Cytogenetic location: 7q31.2.
Variant type: single nucleotide variant.
Coding change: c.4054C>T on transcript NM_000492.4 (MANE Select); coding-DNA position 4054, C replaced by T.
Protein change: p.Gln1352Ter; replaces glutamine 1352 with a stop codon.
Molecular consequence: nonsense.
Genome position (GRCh38, 1-based): chr7:117,664,778, C>T. VCF-style: chr7-117664778-C-T. GRCh37 (hg19) VCF-style: chr7-117304832-C-T.
Other names: c.4054C>T (NM_000492.3); short protein forms Q1352*.
Identifiers: ClinVar variation 983869 (VCV000983869.9), dbSNP rs751098333, ClinGen allele CA4451616.

ClinVar aggregate classification (germline): Pathogenic/Likely pathogenic. Review status: criteria provided, multiple submitters, no conflicts (2 of 4 stars). 5 submissions from 5 submitters: Pathogenic (3); Likely pathogenic (2). Last evaluated 2025-12-29.

Conditions:
CFTR-related disorder (CFTR-RD). Also called: CFTR-related disorders; CFTR-related condition. Identifiers: MedGen C5924204, MONDO:7770004.
Cystic fibrosis (CF). Also called: MUCOVISCIDOSIS. Identifiers: Orphanet 586, MedGen C0010674, MONDO:0009061, OMIM 219700. Disease mechanism: loss of function.

gnomAD v4.1: 2 of 1,614,042 alleles (0.00012%); highest among the groups gnomAD compares: African/African-American, 0.0013%; no homozygotes.

Submissions (5):

Women's Health and Genetics/Laboratory Corporation of America, LabCorp
Classification: Pathogenic for Cystic fibrosis. Last evaluated: 2025-12-29. Review status: criteria provided, single submitter. Criteria: LabCorp Variant Classification Summary - May 2015. Collection method: clinical testing. Allele origin: germline.
Comment: Variant summary: CFTR c.4054C>T (p.Gln1352X) results in a premature termination codon, predicted to cause a truncation of the encoded protein or absence of the protein due to nonsense mediated decay, which are commonly known mechanisms for disease. The variant allele was found at a frequency of 4e-06 in 251216 control chromosomes. To our knowledge, no occurrence of c.4054C>T in individuals affected with CFTR-related conditions and no experimental evidence demonstrating its impact on protein function have been reported. ClinVar contains an entry for this variant (Variation ID: 983869). Based on the evidence outlined above, the variant was classified as pathogenic.

Natera, Inc.
Classification: Likely pathogenic for CFTR-related disorders. Last evaluated: 2025-09-13. Review status: criteria provided, single submitter. Criteria: Natera Variant Classification Schema (03/2026). Collection method: clinical testing. Allele origin: germline.
Comment: The c.4054C>T variant in CFTR is a nonsense variant predicted to introduce a stop codon at amino acid 1352. This variant is expected to result in nonsense mediated decay, truncation, or a dysfunctional protein product. This variant is rare in the general population with a frequency below the threshold expected for the associated phenotype(s). Given the available evidence, this variant is classified as Likely Pathogenic.

Labcorp Genetics (formerly Invitae), Labcorp
Classification: Pathogenic for Cystic fibrosis. Last evaluated: 2022-11-02. Review status: criteria provided, single submitter. Criteria: Invitae Variant Classification Sherloc (09022015). Collection method: clinical testing. Allele origin: germline.
Comment: This variant has not been reported in the literature in individuals affected with CFTR-related conditions. For these reasons, this variant has been classified as Pathogenic. Algorithms developed to predict the effect of sequence changes on RNA splicing suggest that this variant may disrupt the consensus splice site. ClinVar contains an entry for this variant (Variation ID: 983869). This variant is present in population databases (rs751098333, gnomAD 0.007%). This sequence change creates a premature translational stop signal (p.Gln1352*) in the CFTR gene. It is expected to result in an absent or disrupted protein product. Loss-of-function variants in CFTR are known to be pathogenic (PMID: 1695717, 7691345, 9725922).

CFTR-France
Classification: Pathogenic for Cystic fibrosis. Last evaluated: 2021-01-18. Review status: criteria provided, single submitter. Criteria: Claustres M et al. (Hum Mutat 2017). Collection method: curation. Allele origin: germline. Affected: yes.

Myriad Genetics, Inc.
Classification: Likely pathogenic for Cystic fibrosis. Last evaluated: 2019-05-19. Review status: criteria provided, single submitter. Criteria: Myriad Women's Health Autosomal Recessive and X-Linked Classification Criteria (2019). Collection method: clinical testing. Allele origin: unknown.
Comment: NM_000492.3(CFTR):c.4054C>T(Q1352*) is expected to be pathogenic in the context of cystic fibrosis. This variant is predicted to lead to an abnormal or absent protein product due to the creation of a premature termination codon in CFTR, a gene where loss-of-function variants are known to be pathogenic. Please note: this variant was assessed in the context of healthy population screening.

Literature cited by the submitters: PubMed 1695717 (cited by Labcorp Genetics (formerly Invitae), Labcorp); PubMed 7691345 (cited by Labcorp Genetics (formerly Invitae), Labcorp); PubMed 9725922 (cited by Labcorp Genetics (formerly Invitae), Labcorp).